The following is an entry in ClinVar:

ClinVar aggregate classification (germline): Pathogenic (1 of 4 stars; one submission).

Submission:

Labcorp Genetics (formerly Invitae), Labcorp
Classification: Pathogenic. Last evaluated: 2023-11-28. Review status: criteria provided, single submitter. Criteria: Invitae Variant Classification Sherloc (09022015). Collection method: clinical testing. Allele origin: germline.
Comment: This variant is a gross deletion of the genomic region encompassing exon(s) 2-12 of the EMC1 gene. This deletion is out-of-frame, and is expected to create a premature termination codon and result in an absent or disrupted protein product. Loss-of-function variants in EMC1 are known to be pathogenic (PMID: 26572623, 26942288, 29271071). This variant has not been reported in the literature in individuals affected with EMC1-related conditions. For these reasons, this variant has been classified as Pathogenic.

Literature cited by the submitters: PubMed 26572623; PubMed 26942288; PubMed 29271071.

NC_000001.10:g.(?_19563616)_(19571544_?)del

Gene: EMC1 (ER membrane protein complex subunit 1; minus strand). Cytogenetic location: 1p36.13.
Variant type: Deletion.
Identifiers: ClinVar variation 1453913 (VCV001453913.4).